The following is an entry in ClinVar:

ClinVar aggregate classification (germline): Uncertain significance. Review status: criteria provided, multiple submitters, no conflicts (2 of 4 stars). 2 submissions from 2 submitters: Uncertain significance (2). Last evaluated 2026-06-18.

Conditions:
NEFH-related disorder. Also called: NEFH-related condition.

Allele frequency attached by ClinVar (database versions not stated): ExAC 0.00002; gnomAD 0.00002 and 0.00003; gnomAD exomes 0.00002; TOPMed 0.00003.
gnomAD v4.1: 23 of 1,612,418 alleles (0.0014%); highest among the groups gnomAD compares: Middle Eastern, 0.016%; no homozygotes.

Submissions (2):

PreventionGenetics, part of Exact Sciences
Classification: Uncertain significance for NEFH-related condition. Last evaluated: 2026-06-18. Review status: criteria provided, single submitter. Criteria: ACMG Guidelines, 2015. Collection method: clinical testing. Allele origin: germline.
Comment: The NEFH c.2647G>A variant is predicted to result in the amino acid substitution p.Glu883Lys. To our knowledge, this variant has not been reported in the literature. This variant is reported in 0.0082% of alleles in individuals of African descent in gnomAD. At this time, the clinical significance of this variant is uncertain due to the absence of conclusive functional and genetic evidence.

Labcorp Genetics (formerly Invitae), Labcorp
Classification: Uncertain significance. Last evaluated: 2025-03-10. Review status: criteria provided, single submitter. Criteria: Invitae Variant Classification Sherloc (09022015). Collection method: clinical testing. Allele origin: germline.
Comment: This sequence change replaces glutamic acid, which is acidic and polar, with lysine, which is basic and polar, at codon 883 of the NEFH protein (p.Glu883Lys). This variant is present in population databases (rs754121553, gnomAD 0.008%). This variant has not been reported in the literature in individuals affected with NEFH-related conditions. ClinVar contains an entry for this variant (Variation ID: 1406961). Invitae Evidence Modeling of protein sequence and biophysical properties (such as structural, functional, and spatial information, amino acid conservation, physicochemical variation, residue mobility, and thermodynamic stability) indicates that this missense variant is not expected to disrupt NEFH protein function with a negative predictive value of 95%. In summary, the available evidence is currently insufficient to determine the role of this variant in disease. Therefore, it has been classified as a Variant of Uncertain Significance.

NM_021076.4(NEFH):c.2647G>A (p.Glu883Lys)

Gene: NEFH (neurofilament heavy chain; plus strand). Cytogenetic location: 22q12.2.
Variant type: single nucleotide variant.
Coding change: c.2647G>A on transcript NM_021076.4 (MANE Select); coding-DNA position 2647, G replaced by A.
Protein change: p.Glu883Lys; replaces glutamic acid 883 with lysine.
Molecular consequence: missense variant.
Genome position (GRCh38, 1-based): chr22:29,490,287, G>A. VCF-style: chr22-29490287-G-A. GRCh37 (hg19) VCF-style: chr22-29886276-G-A.
Other names: c.2647G>A (NM_021076.3); short protein forms E883K.
Identifiers: ClinVar variation 1406961 (VCV001406961.10), dbSNP rs754121553, ClinGen allele CA10174470.